The following is an entry in ClinVar:

NM_024675.4(PALB2):c.2514G>C (p.Gln838His)

Gene: PALB2 (partner and localizer of BRCA2; minus strand). Cytogenetic location: 16p12.2.
Variant type: single nucleotide variant.
Coding change: c.2514G>C on transcript NM_024675.4 (MANE Select); coding-DNA position 2514, G replaced by C.
Protein change: p.Gln838His; replaces glutamine 838 with histidine.
Molecular consequence: missense variant.
Genome position (GRCh38, 1-based): chr16:23,629,640, C>G on the plus strand (G>C on the coding strand, the complement: PALB2 is on the minus strand). VCF-style: chr16-23629640-C-G. GRCh37 (hg19) VCF-style: chr16-23640961-C-G.
Other names: c.2454G>C, p.Gln818His (NM_001407296.1); c.2514G>C, p.Gln838His (NM_001407297.1, NM_001407298.1, NM_001407299.1 and 3 more transcripts); c.1629G>C, p.Gln543His (NM_001407304.1, NM_001407305.1, NM_001407306.1 and 5 more transcripts); c.726G>C, p.Gln242His (NM_001407312.1, NM_001407313.1); short protein forms Q543H, Q818H, Q838H, Q242H.
Identifiers: ClinVar variation 1792445 (VCV001792445.2), dbSNP rs1064794902, ClinGen allele CA395123917.

ClinVar aggregate classification (germline): Uncertain significance (1 of 4 stars; one submission).

Conditions:
Hereditary cancer-predisposing syndrome. Also called: Hereditary Cancer Syndrome; Hereditary neoplastic syndrome; Tumor predisposition; Neoplastic Syndromes, Hereditary. Identifiers: Orphanet 140162, MedGen C0027672, MeSH D009386, MONDO:0015356.

Submission:

Ambry Genetics
Classification: Uncertain significance for Hereditary cancer-predisposing syndrome. Last evaluated: 2023-09-15. Review status: criteria provided, single submitter. Criteria: Ambry Variant Classification Scheme 2023. Collection method: clinical testing. Allele origin: germline.
Comment: The c.2514G>C variant (also known as p.Q838H), located in coding exon 5 of the PALB2 gene, results from a G to C substitution at nucleotide position 2514. The amino acid change results in glutamine to histidine at codon 838, an amino acid with highly similar properties. However, this change occurs in the last base pair of coding exon 5, which makes it likely to have some effect on normal mRNA splicing. This nucleotide position is highly conserved in available vertebrate species. In silico splice site analysis predicts that this alteration will weaken the native splice donor site; however, direct evidence is insufficient at this time (Ambry internal data). This amino acid position is highly conserved in available vertebrate species. In addition, this alteration is predicted to be tolerated by in silico analysis. Since supporting evidence is limited at this time, the clinical significance of this alteration remains unclear.